The following is an entry in ClinVar:

ClinVar aggregate classification (germline): Uncertain significance. Review status: criteria provided, multiple submitters, no conflicts (2 of 4 stars). 3 submissions from 3 submitters: Uncertain significance (3). Last evaluated 2025-12-29.

Allele frequency attached by ClinVar (database versions not stated): gnomAD exomes below 0.00001 and 0.00001; ExAC 0.00001; gnomAD 0.00001; ESP Exome Variant Server 0.00008.
gnomAD v4.1: 15 of 1,613,618 alleles (0.00093%); highest among the groups gnomAD compares: African/African-American, 0.0013%; no homozygotes.

Submissions (3):

Center for Genomic Medicine, Rigshospitalet, Copenhagen University Hospital
Classification: Uncertain significance. Last evaluated: 2025-12-29. Review status: criteria provided, single submitter. Criteria: ACMG Guidelines, 2015. Collection method: clinical testing. Allele origin: germline.

Ambry Genetics
Classification: Uncertain significance. Last evaluated: 2025-01-20. Review status: criteria provided, single submitter. Criteria: Ambry Variant Classification Scheme 2023. Collection method: clinical testing. Allele origin: germline.
Comment: The p.D168G variant (also known as c.503A>G), located in coding exon 4 of the RNF43 gene, results from an A to G substitution at nucleotide position 503. The aspartic acid at codon 168 is replaced by glycine, an amino acid with similar properties. This amino acid position is conserved. In addition, the in silico prediction for this alteration is inconclusive. Based on the available evidence, the clinical significance of this variant remains unclear.

Labcorp Genetics (formerly Invitae), Labcorp
Classification: Uncertain significance. Last evaluated: 2020-11-17. Review status: criteria provided, single submitter. Criteria: Invitae Variant Classification Sherloc (09022015). Collection method: clinical testing. Allele origin: germline.
Comment: This sequence change replaces aspartic acid with glycine at codon 168 of the RNF43 protein (p.Asp168Gly). The aspartic acid residue is highly conserved and there is a moderate physicochemical difference between aspartic acid and glycine. This variant is present in population databases (rs368233607, ExAC 0.001%). This variant has not been reported in the literature in individuals with RNF43-related conditions. Algorithms developed to predict the effect of missense changes on protein structure and function are either unavailable or do not agree on the potential impact of this missense change (SIFT: "Deleterious"; PolyPhen-2: "Possibly Damaging"; Align-GVGD: "Class C0"). In summary, the available evidence is currently insufficient to determine the role of this variant in disease. Therefore, it has been classified as a Variant of Uncertain Significance.

NM_017763.6(RNF43):c.503A>G (p.Asp168Gly)

Gene: RNF43 (ring finger protein 43; minus strand). Cytogenetic location: 17q22.
Variant type: single nucleotide variant.
Coding change: c.503A>G on transcript NM_017763.6 (MANE Select); coding-DNA position 503, A replaced by G.
Protein change: p.Asp168Gly; replaces aspartic acid 168 with glycine.
Molecular consequence: missense variant.
Genome position (GRCh38, 1-based): chr17:58,363,354, T>C on the plus strand (A>G on the coding strand, the complement: RNF43 is on the minus strand). VCF-style: chr17-58363354-T-C. GRCh37 (hg19) VCF-style: chr17-56440715-T-C.
Other names: c.503A>G, p.Asp168Gly (NM_001305544.3); c.122A>G, p.Asp41Gly (NM_001305545.2); c.503A>G (NM_017763.4); short protein forms D168G, D41G.
Identifiers: ClinVar variation 1434621 (VCV001434621.16), dbSNP rs368233607, ClinGen allele CA8673399.